The following is an entry in ClinVar:

ClinVar aggregate classification (germline): Pathogenic (1 of 4 stars; one submission).

Conditions:
Familial cancer of breast. Also called: Hereditary breast cancer; hereditary breast carcinoma; BREAST CANCER, FAMILIAL. Identifiers: Orphanet 227535, MedGen C0346153, MONDO:0016419, OMIM 114480. Disease mechanism: loss of function.

Submission:

Labcorp Genetics (formerly Invitae), Labcorp
Classification: Pathogenic for Hereditary Breast Carcinoma. Last evaluated: 2019-09-18. Review status: criteria provided, single submitter. Criteria: Invitae Variant Classification Sherloc (09022015). Collection method: clinical testing. Allele origin: germline.
Comment: This variant is a gross deletion of the genomic region encompassing exons 2-13 of the CHEK2 gene, which includes the initiator codon. The 5' end of this event is unknown as it extends beyond the assayed region for this gene and therefore may encompass additional genes. The 3' boundary is likely confined to intron 13 of the CHEK2 gene. This is expected to result in an absent or disrupted protein product. This variant has not been reported in the literature in individuals with CHEK2-related disease. Loss-of-function variants in CHEK2 are known to be pathogenic (PMID: 21876083, 24713400). For these reasons, this variant has been classified as Pathogenic.

NC_000022.11:g.(?_28694026)_(28734727_?)del

Gene: CHEK2 (checkpoint kinase 2; minus strand). Cytogenetic location: 22q12.1.
Variant type: Deletion.
Identifiers: ClinVar variation 583604 (VCV000583604.3).